The following is an entry in ClinVar:

ClinVar aggregate classification (germline): Conflicting classifications of pathogenicity. Review status: criteria provided, conflicting classifications (1 of 4 stars). 2 submissions from 2 submitters: Uncertain significance (1); Likely benign (1). Last evaluated 2023-03-23.

Conditions:
Hereditary cancer-predisposing syndrome. Also called: Neoplastic Syndromes, Hereditary; Tumor predisposition; Hereditary neoplastic syndrome; Hereditary Cancer Syndrome. Identifiers: Orphanet 140162, MedGen C0027672, MeSH D009386, MONDO:0015356.
Hereditary breast ovarian cancer syndrome. Also called: Hereditary breast and ovarian cancer syndrome; Hereditary breast and ovarian cancer syndrome (HBOC); BRCA1- and BRCA2-Associated Hereditary Breast and Ovarian Cancer; Hereditary breast and/or ovarian cancer syndrome; Hereditary breast and ovarian cancer; Breast and ovarian cancer. Identifiers: Orphanet 145, MedGen C0677776, MeSH D061325, MONDO:0003582. Disease mechanism: loss of function.

Submissions (2):

University of Washington Department of Laboratory Medicine, University of Washington
Classification: Likely benign for Hereditary cancer-predisposing syndrome. Last evaluated: 2023-03-23. Review status: criteria provided, single submitter. Criteria: Dines et al. (Genet Med. 2020). Collection method: curation. Allele origin: germline.
Comment: Missense variant in a coldspot region where missense variants are very unlikely to be pathogenic (PMID:31911673).

BRCA2 exon 11 coldspot. Reclassification based on statistical prior probability.

Labcorp Genetics (formerly Invitae), Labcorp
Classification: Uncertain significance for Hereditary breast ovarian cancer syndrome. Last evaluated: 2018-05-10. Review status: criteria provided, single submitter. Criteria: Invitae Variant Classification Sherloc (09022015). Collection method: clinical testing. Allele origin: germline.
Comment: This variant is not present in population databases (ExAC no frequency). This sequence change replaces glutamic acid with aspartic acid at codon 718 of the BRCA2 protein (p.Glu718Asp). The glutamic acid residue is moderately conserved and there is a small physicochemical difference between glutamic acid and aspartic acid. This variant has not been reported in the literature in individuals with BRCA2-related disease. Algorithms developed to predict the effect of missense changes on protein structure and function output the following: SIFT: "Tolerated"; PolyPhen-2: "Benign"; Align-GVGD: "Class C0". The aspartic acid amino acid residue is found in multiple mammalian species, suggesting that this missense change does not adversely affect protein function. These predictions have not been confirmed by published functional studies and their clinical significance is uncertain. In summary, the available evidence is currently insufficient to determine the role of this variant in disease. Therefore, it has been classified as a Variant of Uncertain Significance.

NM_000059.4(BRCA2):c.2154A>C (p.Glu718Asp)

Gene: BRCA2 (BRCA2 DNA repair associated; plus strand). Cytogenetic location: 13q13.1.
Variant type: single nucleotide variant.
Coding change: c.2154A>C on transcript NM_000059.4 (MANE Select); coding-DNA position 2154, A replaced by C.
Protein change: p.Glu718Asp; replaces glutamic acid 718 with aspartic acid.
Molecular consequence: missense variant.
Genome position (GRCh38, 1-based): chr13:32,336,509, A>C. VCF-style: chr13-32336509-A-C. GRCh37 (hg19) VCF-style: chr13-32910646-A-C.
Other names: short protein forms E718D.
Identifiers: ClinVar variation 581059 (VCV000581059.10), dbSNP rs1566226220, ClinGen allele CA387770210.